The following is an entry in ClinVar:

ClinVar aggregate classification (germline): Likely benign. Review status: criteria provided, multiple submitters, no conflicts (2 of 4 stars). 2 submissions from 2 submitters: Likely benign (2). Last evaluated 2025-12-29.

Conditions:
Hereditary breast ovarian cancer syndrome. Also called: Breast and ovarian cancer; Hereditary breast and ovarian cancer; Hereditary breast and/or ovarian cancer syndrome; BRCA1- and BRCA2-Associated Hereditary Breast and Ovarian Cancer; Hereditary breast and ovarian cancer syndrome (HBOC); Hereditary breast and ovarian cancer syndrome. Identifiers: Orphanet 145, MedGen C0677776, MeSH D061325, MONDO:0003582. Disease mechanism: loss of function.

Submissions (2):

Center for Genomic Medicine, Rigshospitalet, Copenhagen University Hospital
Classification: Likely benign. Last evaluated: 2025-12-29. Review status: criteria provided, single submitter. Criteria: ACMG Guidelines, 2015. Collection method: clinical testing. Allele origin: germline.
Comment: Classification criteria: BP4

Labcorp Genetics (formerly Invitae), Labcorp
Classification: Likely benign for Hereditary breast ovarian cancer syndrome. Last evaluated: 2021-05-25. Review status: criteria provided, single submitter. Criteria: Invitae Variant Classification Sherloc (09022015). Collection method: clinical testing. Allele origin: germline.

NM_007294.4(BRCA1):c.671-13del

Gene: BRCA1 (BRCA1 DNA repair associated; minus strand). Cytogenetic location: 17q21.31.
Variant type: Deletion.
Coding change: c.671-13del on transcript NM_007294.4 (MANE Select); 13 bases into the intron before coding-DNA position 671, one base deleted (T; older notation c.671-13delT).
Molecular consequence: intron variant.
Genome position (GRCh38, 1-based): chr17:43,094,873, A deleted on the plus strand (T on the coding strand, the reverse complement: BRCA1 is on the minus strand); the first of 5 consecutive A bases (chr17:43,094,873-43,094,877); deleting any one gives the same sequence. VCF-style (leftmost placement, unchanged base first): chr17-43094872-CA-C. GRCh37 (hg19) VCF-style: chr17-41246889-CA-C.
Other names: c.530-13del (NM_001407942.1, NM_001407694.1, NM_001407751.1 and 43 more transcripts); c.671-13del (NM_001407969.1, NM_001407598.1, NM_001407617.1 and 53 more transcripts); c.671-13delT (NM_007294.4, NM_007294.3); c.461-13del (NM_001408492.1, NM_001408482.1, NM_001407900.1 and 25 more transcripts); c.527-13del (NM_001408468.1, NM_001407842.1, NM_001407749.1 and 26 more transcripts); c.335-13del (NM_001407954.1, NM_001407956.1, NM_001408509.1 and 3 more transcripts); c.407-13del (NM_001407920.1, NM_001408499.1, NM_001407933.1 and 15 more transcripts); c.404-13del (NM_001408504.1, NM_001407930.1, NM_001407931.1 and 5 more transcripts); and 21 more.
Identifiers: ClinVar variation 415593 (VCV000415593.13), dbSNP rs8176152, ClinGen allele CA16615431.